The following is an entry in ClinVar:

ClinVar aggregate classification (germline): Conflicting classifications of pathogenicity. Review status: criteria provided, conflicting classifications (1 of 4 stars). 2 submissions from 2 submitters: Uncertain significance (1); Likely benign (1). Last evaluated 2025-12-15.

Conditions:
Alstrom syndrome (ALMS). Identifiers: Orphanet 64, MedGen C0268425, MONDO:0008763, OMIM 203800.

Allele frequency attached by ClinVar (database versions not stated): gnomAD exomes below 0.00001 and 0.00001.
gnomAD v4.1: 4 of 1,613,620 alleles (0.00025%); highest among the groups gnomAD compares: Admixed American, 0.0067%; no homozygotes.

Submissions (2):

Labcorp Genetics (formerly Invitae), Labcorp
Classification: Likely benign for Alstrom syndrome. Last evaluated: 2025-12-15. Review status: criteria provided, single submitter. Criteria: Invitae Variant Classification Sherloc (09022015). Collection method: clinical testing. Allele origin: germline.

GeneDx
Classification: Uncertain significance. Last evaluated: 2023-07-13. Review status: criteria provided, single submitter. Criteria: GeneDx Variant Classification Process June 2021. Collection method: clinical testing. Allele origin: germline. Affected: yes.
Comment: Not observed at significant frequency in large population cohorts (gnomAD); In silico analysis supports that this variant does not alter splicing; Has not been previously published as pathogenic or benign to our knowledge

NM_001378454.1(ALMS1):c.8430A>G (p.Lys2810=)

Gene: ALMS1 (ALMS1 centrosome and basal body associated protein; plus strand). Cytogenetic location: 2p13.1.
Variant type: single nucleotide variant.
Coding change: c.8430A>G on transcript NM_001378454.1 (MANE Select); coding-DNA position 8430, A replaced by G.
Protein change: p.Lys2810=; no amino-acid change (lysine 2810 retained).
Molecular consequence: synonymous variant.
Genome position (GRCh38, 1-based): chr2:73,490,389, A>G. VCF-style: chr2-73490389-A-G. GRCh37 (hg19) VCF-style: chr2-73717516-A-G.
Other names: c.8433A>G, p.Lys2811= (NM_015120.4).
Identifiers: ClinVar variation 1554989 (VCV001554989.9), dbSNP rs1483404753, ClinGen allele CA427014168.